The following continues an entry in ClinVar:

NM_000492.3(CFTR):c.2175dup (p.Glu726Argfs)

Gene: CFTR. ClinVar aggregate classification (germline): Pathogenic. Pathogenic (1).

Submissions 11 to 17 of 17:

Myriad Genetics, Inc.
Classification: Pathogenic for Cystic fibrosis. Last evaluated: 2019-12-07. Review status: criteria provided, single submitter. Criteria: Myriad Women's Health Autosomal Recessive and X-Linked Classification Criteria (2019). Collection method: clinical testing. Allele origin: unknown. Not counted in ClinVar's aggregate classification.
Comment: NM_000492.3(CFTR):c.2175dupA(E726Rfs*4, aka 2307insA) is classified as pathogenic in the context of cystic fibrosis and is associated with the classic form of disease. Sources cited for classification include the following: PMID 23974870. Classification of NM_000492.3(CFTR):c.2175dupA(E726Rfs*4, aka 2307insA) is based on the following criteria: The variant causes a premature termination codon that is expected to be targeted by nonsense-mediated mRNA decay and is reported in individuals with the relevant phenotype. Please note: this variant was assessed in the context of healthy population screening.

Mendelics
Classification: Pathogenic for Cystic fibrosis. Last evaluated: 2018-11-05. Review status: criteria provided, single submitter. Criteria: Mendelics Assertion Criteria 2017. Collection method: clinical testing. Allele origin: unknown. Affected: yes. Not counted in ClinVar's aggregate classification.

Women's Health and Genetics/Laboratory Corporation of America, LabCorp
Classification: Pathogenic. Last evaluated: 2018-08-17. Review status: criteria provided, single submitter. Criteria: LabCorp Variant Classification Summary - May 2015. Collection method: clinical testing. Allele origin: germline. Not counted in ClinVar's aggregate classification.
Comment: Variant summary: CFTR c.2175dupA (p.Glu726ArgfsX4) results in a premature termination codon, predicted to cause a truncation of the encoded protein or absence of the protein due to nonsense mediated decay, which are commonly known mechanisms for disease. Truncations downstream of this position have been classified as pathogenic by our laboratory (eg., p.Leu732X and p.Arg764X). The variant allele was found at a frequency of 1.9e-05 in 1055458 control chromosomes. This frequency is not higher than expected for a pathogenic variant in CFTR causing Cystic Fibrosis (1.9e-05 vs 0.013), allowing no conclusion about variant significance. c.2175dupA has been reported in the literature as a homozygous and compound heterozygous allele in numerous individuals affected with Cystic Fibrosis. These data indicate that the variant is very likely to be associated with disease. At least one publication reports experimental evidence evaluating an impact on protein function, which showed <10% of normal CFTR mRNA in patient cells (Smit_1993). Two clinical diagnostic laboratories have submitted clinical-significance assessments for this variant to ClinVar after 2014 and classified the variant as pathogenic. Based on the evidence outlined above, the variant was classified as pathogenic.

CFTR-France
Classification: Pathogenic for cystic fibrosis. Last evaluated: 2018-01-29. Review status: criteria provided, single submitter. Criteria: Claustres M et al. (Hum Mutat 2017). Collection method: curation. Allele origin: germline. Affected: yes. Not counted in ClinVar's aggregate classification.

Eurofins Ntd Llc (ga)
Classification: Pathogenic. Last evaluated: 2018-01-19. Review status: criteria provided, single submitter. Criteria: EGL Classification Definitions 2015. Collection method: clinical testing. Allele origin: germline. Observed: 4 variant alleles, 4 heterozygotes. Not counted in ClinVar's aggregate classification.

Baylor Genetics
Classification: Pathogenic for Congenital bilateral aplasia of vas deferens from CFTR mutation; Cystic fibrosis. Review status: criteria provided, single submitter. Criteria: ACMG Guidelines, 2015. Collection method: clinical testing. Allele origin: germline. Not counted in ClinVar's aggregate classification.

OMIM
Classification: Pathogenic for CYSTIC FIBROSIS. Last evaluated: 1993-01-01. Review status: no assertion criteria provided. Collection method: literature only. Allele origin: germline. Not counted in ClinVar's aggregate classification.

Literature cited by the submitters: PubMed 26574590 (cited by Natera, Inc.); PubMed 1695717 (cited by Labcorp Genetics (formerly Invitae), Labcorp); PubMed 7691345 (cited by Labcorp Genetics (formerly Invitae), Labcorp); PubMed 9725922 (cited by Labcorp Genetics (formerly Invitae), Labcorp); PubMed 7686423 (cited by 5 submitters); PubMed 15371903 (cited by 3 submitters); PubMed 18456578 (cited by Labcorp Genetics (formerly Invitae), Labcorp and Women's Health and Genetics/Laboratory Corporation of America, LabCorp); PubMed 32674983 (cited by Laboratory for Molecular Medicine, Mass General Brigham Personalized Medicine); PubMed 12007216 (cited by Ambry Genetics); PubMed 23974870 (cited by 3 submitters); PubMed 9150159 (cited by Ambry Genetics); PubMed 23765052 (cited by Women's Health and Genetics/Laboratory Corporation of America, LabCorp); PubMed 22975760 (cited by Women's Health and Genetics/Laboratory Corporation of America, LabCorp); PubMed 21474639 (cited by Women's Health and Genetics/Laboratory Corporation of America, LabCorp); PubMed 15371902 (cited by Women's Health and Genetics/Laboratory Corporation of America, LabCorp); PubMed 21796730 (cited by Women's Health and Genetics/Laboratory Corporation of America, LabCorp).